The following is an entry in ClinVar:

ClinVar aggregate classification (germline): Pathogenic/Likely pathogenic. Review status: criteria provided, multiple submitters, no conflicts (2 of 4 stars). 3 submissions from 3 submitters: Pathogenic (2); Likely pathogenic (1). Last evaluated 2024-07-30.

Conditions:
3-methylcrotonyl-CoA carboxylase 2 deficiency. Also called: METHYLCROTONYLGLYCINURIA, TYPE II; 3 alpha methylcrotonyl-CoA carboxylase 2 deficiency; 3 alpha methylcrotonylglycinuria 2; MCC 2 deficiency; Methylcrotonylglycinuria type 2. Identifiers: Orphanet 6, MedGen C1859499, MONDO:0008862, OMIM 210210.

gnomAD v4.1: 5 of 1,614,146 alleles (0.00031%); highest among the groups gnomAD compares: Non-Finnish European, 0.00034%; 1 homozygote.

Submissions (3):

Natera, Inc.
Classification: Likely pathogenic for 3-methylcrotonyl-CoA carboxylase 2 deficiency. Last evaluated: 2024-07-30. Review status: criteria provided, single submitter. Criteria: Natera Variant Classification Schema (03/2026). Collection method: clinical testing. Allele origin: germline.
Comment: The c.1350T>A variant in MCCC2 is a nonsense variant predicted to introduce a stop codon at amino acid 450. This variant is expected to result in nonsense mediated decay, truncation, or a dysfunctional protein product. This variant is rare in the general population with a frequency below the threshold expected for the associated phenotype(s). Given the available evidence, this variant is classified as Likely Pathogenic.

Myriad Genetics, Inc.
Classification: Pathogenic for 3-methylcrotonyl-CoA carboxylase 2 deficiency. Last evaluated: 2024-05-23. Review status: criteria provided, single submitter. Criteria: Myriad Autosomal Dominant, Autosomal Recessive and X-Linked Classification Criteria (2023). Collection method: clinical testing. Allele origin: unknown.
Comment: NM_022132.4(MCCC2):c.1350T>A(Y450*) is expected to be pathogenic in the context of 3-methylcrotonyl-CoA carboxylase deficiency, MCCC2-related. This variant is predicted to lead to an abnormal or absent protein product due to the creation of a premature termination codon in MCCC2, a gene where loss-of-function variants are known to be pathogenic. Please note: this variant was assessed in the context of healthy population screening.

Labcorp Genetics (formerly Invitae), Labcorp
Classification: Pathogenic for 3-methylcrotonyl-CoA carboxylase 2 deficiency. Last evaluated: 2022-07-07. Review status: criteria provided, single submitter. Criteria: Invitae Variant Classification Sherloc (09022015). Collection method: clinical testing. Allele origin: germline.
Comment: This sequence change creates a premature translational stop signal (p.Tyr450*) in the MCCC2 gene. It is expected to result in an absent or disrupted protein product. Loss-of-function variants in MCCC2 are known to be pathogenic (PMID: 11181649, 22642865). This variant is present in population databases (no rsID available, gnomAD 0.0009%). This variant has not been reported in the literature in individuals affected with MCCC2-related conditions. For these reasons, this variant has been classified as Pathogenic.

Literature cited by the submitters: PubMed 11181649 (cited by Labcorp Genetics (formerly Invitae), Labcorp); PubMed 22642865 (cited by Labcorp Genetics (formerly Invitae), Labcorp).

NM_022132.5(MCCC2):c.1350T>A (p.Tyr450Ter)

Gene: MCCC2 (methylcrotonyl-CoA carboxylase subunit 2; plus strand). Cytogenetic location: 5q13.2.
Variant type: single nucleotide variant.
Coding change: c.1350T>A on transcript NM_022132.5 (MANE Select); coding-DNA position 1350, T replaced by A.
Protein change: p.Tyr450Ter; replaces tyrosine 450 with a stop codon.
Molecular consequence: nonsense.
Genome position (GRCh38, 1-based): chr5:71,649,230, T>A. VCF-style: chr5-71649230-T-A. GRCh37 (hg19) VCF-style: chr5-70945057-T-A.
Other names: c.1350T>A (NM_022132.4); c.1236T>A, p.Tyr412Ter (NM_001363147.1); short protein forms Y450*, Y412*.
Identifiers: ClinVar variation 2147206 (VCV002147206.6), dbSNP rs1248143390, ClinGen allele CA359998046.